The following is an entry in ClinVar:

ClinVar aggregate classification (germline): Pathogenic (1 of 4 stars; one submission).

Conditions:
Fabry disease. Also called: ALPHA-GALACTOSIDASE A DEFICIENCY; ANDERSON-FABRY DISEASE; CERAMIDE TRIHEXOSIDASE DEFICIENCY; GLA DEFICIENCY; HEREDITARY DYSTOPIC LIPIDOSIS; Angiokeratoma corporis diffusum. Identifiers: Orphanet 324, MedGen C0002986, MONDO:0010526, OMIM 301500, HP:0001071. Disease mechanism: Fabry disease is due to inactivating mutations in the X-linked GLA gene resulting in deficiency of the enzyme Alpha Galactosidase-A., loss of function.

Submission:

Genomenon, Inc
Classification: Pathogenic for Fabry disease. Last evaluated: 2026-09-08. Review status: criteria provided, single submitter. Criteria: Genomenon Sequence Variant Interpretation Standards - Updated. Collection method: curation. Allele origin: germline. Affected: yes.
Comment: GLA p.Gln283AspfsTer15 (c.846_847del) is a frameshift variant that is predicted to introduce a premature termination codon and result in a truncated or absent protein product. This variant has been observed in at least one proband with clinical features consistent with Fabry disease (PMID:32719972;26691501). Functional or patient cell studies have been reported (PMID:26691501). It is absent or not present at a significant frequency in gnomAD. In conclusion, we classify GLA p.Gln283AspfsTer15 (c.846_847del) as a pathogenic variant.

Literature cited by the submitters: PubMed 32719972; PubMed 26691501.

NM_000169.3(GLA):c.846_847del (p.Gln283fs)

Genes: GLA (galactosidase alpha; minus strand), RPL36A-HNRNPH2 (RPL36A-HNRNPH2 readthrough; plus strand). Cytogenetic location: Xq22.1.
Variant type: Deletion.
Coding change: c.846_847del on transcript NM_000169.3 (MANE Select); coding-DNA positions 846 to 847, 2 bases deleted (TC; older notation c.846_847delTC).
Protein change: p.Gln283fs; shifts the reading frame from glutamine 283.
Molecular consequence: frameshift variant. On other transcripts: non-coding transcript variant (3), intron variant (2).
Genome position (GRCh38, 1-based): chrX:101,398,522-101,398,523, GA deleted on the plus strand (TC on the coding strand, the reverse complement: GLA is on the minus strand); deleting any 2 consecutive bases within chrX:101,398,522-101,398,524 gives the same sequence; the c. name uses the placement nearest the transcript's 3' end. VCF-style (leftmost placement, unchanged base first): chrX-101398521-TGA-T. GRCh37 (hg19) VCF-style: chrX-100653509-TGA-T.
Other names: c.969_970del, p.Gln324fs (NM_001406747.1); c.846_847del, p.Gln283fs (NM_001406748.1); c.300+3066_300+3067del (NM_001199973.2); c.177+6701_177+6702del (NM_001199974.2); short protein forms Q283fs, Q324fs.
Identifiers: ClinVar variation 4087014 (VCV004087014.2).